The following is an entry in ClinVar:

NM_006757.4(TNNT3):c.332C>T (p.Ala111Val)

Gene: TNNT3 (troponin T3, fast skeletal type; plus strand). Cytogenetic location: 11p15.5.
Variant type: single nucleotide variant.
Coding change: c.332C>T on transcript NM_006757.4 (MANE Select); coding-DNA position 332, C replaced by T.
Protein change: p.Ala111Val; replaces alanine 111 with valine.
Molecular consequence: missense variant.
Genome position (GRCh38, 1-based): chr11:1,933,974, C>T. VCF-style: chr11-1933974-C-T. GRCh37 (hg19) VCF-style: chr11-1955204-C-T.
Other names: c.308C>T, p.Ala103Val (NM_001042780.3, NM_001042782.3, NM_001297646.2 and 2 more transcripts); c.326C>T, p.Ala109Val (NM_001042781.3, NM_001367842.1, NM_001367843.1); c.341C>T, p.Ala114Val (NM_001363561.2, NM_001367847.1); c.365C>T, p.Ala122Val (NM_001367846.1); c.329C>T, p.Ala110Val (NM_001367848.1); c.320C>T, p.Ala107Val (NM_001367849.1); c.275C>T, p.Ala92Val (NM_001367850.1); c.128C>T, p.Ala43Val (NM_001367851.1, NM_001367852.1); short protein forms A109V, A43V, A92V, A122V, A103V, A110V, A111V, A107V.
Identifiers: ClinVar variation 1469456 (VCV001469456.8), dbSNP rs1455290682, ClinGen allele CA379096991.

ClinVar aggregate classification (germline): Uncertain significance (1 of 4 stars; one submission).

Allele frequency attached by ClinVar (database versions not stated): gnomAD exomes below 0.00001.
gnomAD v4.1: 5 of 1,612,602 alleles (0.00031%); highest among the groups gnomAD compares: Non-Finnish European, 0.00042%; no homozygotes.

Submission:

Labcorp Genetics (formerly Invitae), Labcorp
Classification: Uncertain significance. Last evaluated: 2025-02-24. Review status: criteria provided, single submitter. Criteria: Invitae Variant Classification Sherloc (09022015). Collection method: clinical testing. Allele origin: germline.
Comment: This sequence change replaces alanine, which is neutral and non-polar, with valine, which is neutral and non-polar, at codon 111 of the TNNT3 protein (p.Ala111Val). This variant is present in population databases (no rsID available, gnomAD 0.0009%). This variant has not been reported in the literature in individuals affected with TNNT3-related conditions. ClinVar contains an entry for this variant (Variation ID: 1469456). An algorithm developed to predict the effect of missense changes on protein structure and function (PolyPhen-2) suggests that this variant is likely to be tolerated. In summary, the available evidence is currently insufficient to determine the role of this variant in disease. Therefore, it has been classified as a Variant of Uncertain Significance.